The following is an entry in ClinVar:

ClinVar aggregate classification (germline): Pathogenic/Likely pathogenic. Review status: criteria provided, multiple submitters, no conflicts (2 of 4 stars). 2 submissions from 2 submitters: Pathogenic (1); Likely pathogenic (1). Last evaluated 2023-08-28.

Conditions:
Early-infantile DEE. Also called: Early infantile epileptic encephalopathy with suppression bursts; Early infantile epileptic encephalopathy; Ohtahara syndrome. Identifiers: Orphanet 1934, MedGen C0393706, MONDO:0800491.
Severe myoclonic epilepsy in infancy (DRVT). Also called: Epileptic encephalopathy, early infantile, 6 (Dravet syndrome); Dravet syndrome; SEVERE MYOCLONIC EPILEPSY OF INFANCY; DEVELOPMENTAL AND EPILEPTIC ENCEPHALOPATHY 6A; Severe Myoclonic Epilepsy in Infancy (SMEI). Identifiers: Orphanet 33069, MedGen C0751122, MONDO:0100135, OMIM 607208.

Submissions (2):

Labcorp Genetics (formerly Invitae), Labcorp
Classification: Pathogenic for Early-infantile DEE. Last evaluated: 2023-08-28. Review status: criteria provided, single submitter. Criteria: Invitae Variant Classification Sherloc (09022015). Collection method: clinical testing. Allele origin: germline.
Comment: This sequence change creates a premature translational stop signal (p.Trp1726*) in the SCN1A gene. While this is not anticipated to result in nonsense mediated decay, it is expected to disrupt the last 284 amino acid(s) of the SCN1A protein. This variant is not present in population databases (gnomAD no frequency). This premature translational stop signal has been observed in individual(s) with clinical features of SCN1A-related conditions (PMID: 31001185). ClinVar contains an entry for this variant (Variation ID: 1709397). This variant disrupts a region of the SCN1A protein in which other variant(s) (p.Ala1919Leufs*13) have been determined to be pathogenic (Invitae). This suggests that this is a clinically significant region of the protein, and that variants that disrupt it are likely to be disease-causing. For these reasons, this variant has been classified as Pathogenic.

MGZ Medical Genetics Center
Classification: Likely pathogenic for Severe myoclonic epilepsy in infancy. Last evaluated: 2022-04-08. Review status: criteria provided, single submitter. Criteria: ACMG Guidelines, 2015. Collection method: clinical testing. Allele origin: germline. Affected: yes. Observed: 1 variant allele.
Comment: ACMG criteria applied: PVS1_STR, PS4_MOD, PM2_SUP

Literature cited by the submitters: PubMed 31001185 (cited by Labcorp Genetics (formerly Invitae), Labcorp).

NM_001165963.4(SCN1A):c.5177G>A (p.Trp1726Ter)

Genes: SCN1A (sodium voltage-gated channel alpha subunit 1; minus strand), LOC102724058 (uncharacterized LOC102724058; plus strand). Cytogenetic location: 2q24.3.
Variant type: single nucleotide variant.
Coding change: c.5177G>A on transcript NM_001165963.4 (MANE Select); coding-DNA position 5177, G replaced by A.
Protein change: p.Trp1726Ter; replaces tryptophan 1726 with a stop codon.
Molecular consequence: nonsense. On other transcripts: non-coding transcript variant (1).
Genome position (GRCh38, 1-based): chr2:165,992,098, C>T on the plus strand (G>A on the coding strand, the complement: SCN1A is on the minus strand). VCF-style: chr2-165992098-C-T. GRCh37 (hg19) VCF-style: chr2-166848608-C-T.
Other names: c.5093G>A, p.Trp1698Ter (NM_001165964.3, NM_001353957.2, NM_001353958.2); c.5177G>A, p.Trp1726Ter (NM_001202435.3, NM_001353948.2); c.5144G>A, p.Trp1715Ter (NM_001353949.2, NM_001353950.2, NM_001353951.2 and 2 more transcripts); c.5141G>A, p.Trp1714Ter (NM_001353954.2, NM_001353955.2); c.5090G>A, p.Trp1697Ter (NM_001353960.2); c.2735G>A, p.Trp912Ter (NM_001353961.2); short protein forms W1697*, W1698*, W1714*, W1715*, W1726*, W912*.
Identifiers: ClinVar variation 1709397 (VCV001709397.7), dbSNP rs2105431458, ClinGen allele CA349068772.